The following is an entry in ClinVar:

NM_024675.4(PALB2):c.2587-703G>A

Gene: PALB2 (partner and localizer of BRCA2; minus strand). Cytogenetic location: 16p12.2.
Variant type: single nucleotide variant.
Coding change: c.2587-703G>A on transcript NM_024675.4 (MANE Select); 703 bases into the intron before coding-DNA position 2587, G replaced by A.
Molecular consequence: intron variant.
Genome position (GRCh38, 1-based): chr16:23,627,100, C>T on the plus strand (G>A on the coding strand, the complement: PALB2 is on the minus strand). VCF-style: chr16-23627100-C-T. GRCh37 (hg19) VCF-style: chr16-23638421-C-T.
Identifiers: ClinVar variation 873420 (VCV000873420.2), dbSNP rs371016034, ClinGen allele CA279489731.

ClinVar aggregate classification (germline): Benign (0 of 4 stars; one submission).

Allele frequency attached by ClinVar (database versions not stated): gnomAD 0.00001.
gnomAD v4.1: 2 of 152,152 alleles (0.0013%); highest among the groups gnomAD compares: South Asian, 0.021%; no homozygotes.

Submission:

King Laboratory, University of Washington
Classification: Benign. Last evaluated: 2019-09-01. Review status: no assertion criteria provided. Collection method: research. Allele origin: germline. Affected: yes.
Comment: Transcript analysis by cBROCA

Literature cited by the submitters: PubMed 31843900.